The following is an entry in ClinVar:

NM_000166.6(GJB1):c.65G>A (p.Arg22Gln)

Gene: GJB1 (gap junction protein beta 1; plus strand). Cytogenetic location: Xq13.1.
Variant type: single nucleotide variant.
Coding change: c.65G>A on transcript NM_000166.6 (MANE Select); coding-DNA position 65, G replaced by A.
Protein change: p.Arg22Gln; replaces arginine 22 with glutamine.
Molecular consequence: missense variant.
Genome position (GRCh38, 1-based): chrX:71,223,772, G>A. VCF-style: chrX-71223772-G-A. GRCh37 (hg19) VCF-style: chrX-70443622-G-A.
Other names: c.65G>A, p.Arg22Gln (NM_001097642.3); short protein forms R22Q.
Identifiers: ClinVar variation 406228 (VCV000406228.26), dbSNP rs1060501002, ClinGen allele CA16616533.

ClinVar aggregate classification (germline): Pathogenic/Likely pathogenic. Review status: criteria provided, multiple submitters, no conflicts (2 of 4 stars). 16 submissions from 16 submitters: Pathogenic (11); Likely pathogenic (2). 3 of the submissions do not count toward it. Last evaluated 2025-09-24.

Conditions:
GJB1-related disorder. Also called: GJB1-related disorders; GJB1-related condition.
Charcot-Marie-Tooth disease. Also called: Charcot-Marie-Tooth Neuropathy; Charcot-Marie-Tooth Hereditary Neuropathy. Identifiers: Orphanet 166, MedGen C0007959, MONDO:0015626.
Inborn genetic diseases. Identifiers: MedGen C0950123, MeSH D030342.
Charcot-Marie-Tooth Neuropathy X. Identifiers: MedGen CN118851.
Charcot-Marie-Tooth disease X-linked dominant 1. Also called: CHARCOT-MARIE-TOOTH NEUROPATHY, X-LINKED, 1; CHARCOT-MARIE-TOOTH PERONEAL MUSCULAR ATROPHY, X-LINKED; GJB1 Disorders: Charcot-Marie-Tooth Neuropathy (CMT1X) and Central Nervous System Phenotypes; HEREDITARY MOTOR AND SENSORY NEUROPATHY, X-LINKED; HMSN, X-LINKED; Charcot-Marie-Tooth Neuropathy X Type 1. Identifiers: Orphanet 101075, MedGen C0393808, MONDO:0010549, OMIM 302800.

Allele frequency attached by ClinVar (database versions not stated): gnomAD exomes below 0.00001; TOPMed below 0.00001.

Submissions 1 to 12 of 16:

Genesolutions, Medical Genetics Institutes, Ho Chi Minh City, Vietnam
Classification: Likely pathogenic for Charcot-Marie-Tooth disease X-linked dominant 1. Last evaluated: 2025-09-24. Review status: criteria provided, single submitter. Criteria: ACMG Guidelines, 2015. Collection method: clinical testing. Allele origin: germline. Affected: yes.

PreventionGenetics, part of Exact Sciences
Classification: Pathogenic for GJB1-related condition. Last evaluated: 2025-07-18. Review status: criteria provided, single submitter. Criteria: ACMG Guidelines, 2015. Collection method: clinical testing. Allele origin: germline.
Comment: The GJB1 c.65G>A variant is predicted to result in the amino acid substitution p.Arg22Gln. This variant has been reported in individuals with Charcot-Marie-Tooth disease and segregated with disease in multiple families (see for example: Ionasescu et al. 1995. PubMed ID: 7580242; Silander et al. 1997. PubMed ID: 9272161; Supplementary Table 2, Volodarsky et al. 2021. PubMed ID: 32376792). It has also been reported to occur de novo (Silander et al. 1997. PubMed ID: 9272161). Experimental studies of this variant have conflicting results (Matsuyama et al. 2001. PubMed ID: 11393532; Wang et al. 2004. PubMed ID: 15006706). Other missense variants that affect the same amino acid (p.Arg22Gly, p.Arg22Pro, p.Arg22Leu) have also been reported in individuals with Charcot-Marie-Tooth disease (Ressot et al. 1996. PubMed ID: 8698335; Ouyang et al. 2020. PubMed ID: 32941234). This variant has not been reported in a large population database (gnomAD), indicating it is rare. This variant is interpreted as pathogenic.

Labcorp Genetics (formerly Invitae), Labcorp
Classification: Pathogenic for Charcot-Marie-Tooth Neuropathy X. Last evaluated: 2025-03-18. Review status: criteria provided, single submitter. Criteria: Invitae Variant Classification Sherloc (09022015). Collection method: clinical testing. Allele origin: germline.
Comment: This sequence change replaces arginine, which is basic and polar, with glutamine, which is neutral and polar, at codon 22 of the GJB1 protein (p.Arg22Gln). This variant is not present in population databases (gnomAD no frequency). This missense change has been observed in individual(s) with Charcot-Marie-Tooth disease (CMT) (PMID: 7580242, 8737658, 9272161, 9600589, 9633821, 10521546, 11835375, 12542510, 17353473, 26454100). In at least one individual the variant was observed to be de novo. It has also been observed to segregate with disease in related individuals. ClinVar contains an entry for this variant (Variation ID: 406228). Invitae Evidence Modeling of protein sequence and biophysical properties (such as structural, functional, and spatial information, amino acid conservation, physicochemical variation, residue mobility, and thermodynamic stability) has been performed for this missense variant. However, the output from this modeling did not meet the statistical confidence thresholds required to predict the impact of this variant on GJB1 protein function. Experimental studies are conflicting or provide insufficient evidence to determine the effect of this variant on GJB1 function (PMID: 11393532, 15006706). For these reasons, this variant has been classified as Pathogenic.

3billion
Classification: Pathogenic for Charcot-Marie-Tooth disease X-linked dominant 1. Last evaluated: 2024-06-17. Review status: criteria provided, single submitter. Criteria: ACMG Guidelines, 2015. Collection method: clinical testing. Allele origin: germline. Affected: yes.
Comment: The variant is observed at an extremely low frequency in the gnomAD v4.0.0 dataset (total allele frequency: <0.001%). Predicted Consequence/Location: Missense variant In silico tool predictions suggest damaging effect of the variant on gene or gene product [REVEL: 0.87 (>=0.6, sensitivity 0.68 and specificity 0.92); 3Cnet: 0.94 (>=0.6, sensitivity 0.72 and precision 0.9)]. The same nucleotide change resulting in the same amino acid change has been previously reported as pathogenic/likely pathogenic with strong evidence (ClinVar ID: VCV000406228 /PMID: 7580242). The variant has been reported to co-segregate with the disease in at least 7 similarly affected relatives/individuals in at least two unrelated families (PMID: 9272161). Different missense changes at the same codon (p.Arg22Gly, p.Arg22Leu, p.Arg22Pro) have been reported to be associated with GJB1-related disorder (PMID: 32941234, 8698335). Therefore, this variant is classified as Pathogenic according to the recommendation of ACMG/AMP guideline.

Athena Diagnostics
Classification: Pathogenic. Last evaluated: 2023-05-05. Review status: criteria provided, single submitter. Criteria: Athena Diagnostics Criteria. Collection method: clinical testing. Allele origin: unknown.
Comment: This variant has been identified in multiple unrelated individuals with clinical features associated with this gene. This variant associates with disease in multiple families, and has been found de novo in at least one case (PMID: 9272161). This variant has not been reported in large, multi-ethnic general populations. Computational tools predict that this variant is damaging.

Mayo Clinic Laboratories, Mayo Clinic
Classification: Pathogenic. Last evaluated: 2023-04-03. Review status: criteria provided, single submitter. Criteria: ACMG Guidelines, 2015. Collection method: clinical testing. Allele origin: germline. Observed: 2 variant alleles.
Comment: PP1, PP3, PM1, PM2, PM5, PM6, PS4

Genetics and Molecular Pathology, SA Pathology
Classification: Pathogenic for Charcot-Marie-Tooth disease X-linked dominant 1. Last evaluated: 2023-02-10. Review status: criteria provided, single submitter. Criteria: ACMG Guidelines, 2015. Collection method: clinical testing. Allele origin: germline. Affected: yes.

Mendelics
Classification: Pathogenic for Charcot-Marie-Tooth disease X-linked dominant 1. Last evaluated: 2022-05-04. Review status: criteria provided, single submitter. Criteria: Mendelics Assertion Criteria 2019. Collection method: clinical testing. Allele origin: germline.

MGZ Medical Genetics Center
Classification: Pathogenic for Charcot-Marie-Tooth disease X-linked dominant 1. Last evaluated: 2022-04-25. Review status: criteria provided, single submitter. Criteria: ACMG Guidelines, 2015. Collection method: clinical testing. Allele origin: germline. Affected: yes. Observed: 1 variant allele.
Comment: ACMG criteria applied: PS4, PM5, PM2_SUP, PM6_SUP, PP1, PP3

Blueprint Genetics
Classification: Pathogenic for GJB1-related disorders. Last evaluated: 2022-03-04. Review status: criteria provided, single submitter. Criteria: ACMG Guidelines, 2015. Collection method: clinical testing. Allele origin: germline. Affected: yes. Observed: 3 variant alleles.

Molecular Genetics, Royal Melbourne Hospital
Classification: Pathogenic for Charcot-Marie-Tooth disease X-linked dominant 1. Last evaluated: 2022-03-03. Review status: criteria provided, single submitter. Criteria: ACMG Guidelines, 2015. Collection method: clinical testing. Allele origin: germline. Affected: yes.
Comment: This sequence change in GJB1 is predicted to replace arginine with glutamine at codon 22, p.(Arg22Gln). The arginine residue is highly conserved (100 vertebrates, UCSC), and is located in a transmembrane region. There is a small physicochemical difference between arginine and glutamine. This variant is absent from gnomAD v2.1 and v3.1. This variant has been reported in at least 11 probands with Charcot-Marie-Tooth neuropathy type 1/1X (CMT1/CMT1X; PMID: 7580242, 9272161, 26454100, 29998508, 33314704). The variant has been reported to segregate with neuropathy in at least four families, including affected females with less severe disease (PMID: 7580242, 9272161, 18358413). This variant has been identified as a de novo occurrence with confirmed parental relationships in one individual with CMT1 (PMID: 9272161). Multiple lines of computational evidence predict a deleterious effect for the missense substitution (5/6 algorithms). Based on the classification scheme RMH Modified ACMG Guidelines v1.5.1, this variant is classified as PATHOGENIC. Following criteria are met: PP1_Strong, PS2_Moderate, PS4_Moderate, PM2_Supporting, PP3.

Ambry Genetics
Classification: Pathogenic for Inborn genetic diseases. Last evaluated: 2019-11-15. Review status: criteria provided, single submitter. Criteria: Ambry Variant Classification Scheme 2023. Collection method: clinical testing. Allele origin: germline.
Comment: The p.R22Q variant (also known as c.65G>A), located in coding exon 1 of the GJB1 gene, results from a G to A substitution at nucleotide position 65. The arginine at codon 22 is replaced by glutamine, an amino acid with highly similar properties. This alteration has been reported to cosegregate with disease in multiple unrelated patients and families with CMTX (Boerkoel CF et al. Ann. Neurol., 2002 Feb;51:190-201; Senderek J et al. J. Neurol. Sci., 1999 Aug;167:90-101; Silander K et al. Hum. Genet., 1997 Sep;100:391-7; Takashima H et al. Acta Neurol. Scand., 2003 Jan;107:31-7). De novo occurrence has also been reported in an affected patient (Silander K et al. Hum. Genet., 1997 Sep;100:391-7). The functional mechanism of this alteration remains to be elucidated and experimental studies performed in different cell lines have shown conflicting results as protein localization and channel formation were aberrant in PC12 cells (Matsuyama W et al. J. Hum. Genet., 2001;46:307-13) but preserved in N2A cells (Wang HL et al. Neurobiol. Dis., 2004 Mar;15:361-70). In addition to the clinical data presented in the literature, this alteration is predicted to be deleterious by in silico analysis, and is not reported in population-based cohorts in the Genome Aggregation Database (gnomAD). Based on the supporting evidence, this alteration is interpreted as a disease-causing mutation.